The following is an entry in ClinVar:

NM_002900.3(RBP3):c.1756G>A (p.Glu586Lys)

Gene: RBP3 (retinol binding protein 3; plus strand). Cytogenetic location: 10q11.22.
Variant type: single nucleotide variant.
Coding change: c.1756G>A on transcript NM_002900.3 (MANE Select); coding-DNA position 1756, G replaced by A.
Protein change: p.Glu586Lys; replaces glutamic acid 586 with lysine.
Molecular consequence: missense variant.
Genome position (GRCh38, 1-based): chr10:47,350,240, G>A. VCF-style: chr10-47350240-G-A. GRCh37 (hg19) VCF-style: chr10-48389122-C-T.
Other names: short protein forms E586K.
Identifiers: ClinVar variation 958687 (VCV000958687.8), dbSNP rs782791110, ClinGen allele CA5487442.

ClinVar aggregate classification (germline): Uncertain significance. Review status: criteria provided, multiple submitters, no conflicts (2 of 4 stars). 4 submissions from 4 submitters: Uncertain significance (4). Last evaluated 2022-11-25.

Conditions:
Inborn genetic diseases. Identifiers: MedGen C0950123, MeSH D030342.

Allele frequency attached by ClinVar (database versions not stated): ExAC 0.00002; gnomAD 0.00002; gnomAD exomes 0.00002 and 0.00004; TOPMed 0.00002.

Submissions (4):

Blueprint Genetics
Classification: Uncertain significance. Last evaluated: 2022-11-25. Review status: criteria provided, single submitter. Criteria: ACMG Guidelines, 2015. Collection method: clinical testing. Allele origin: germline.

Ambry Genetics
Classification: Uncertain significance for Inborn genetic diseases. Last evaluated: 2022-11-18. Review status: criteria provided, single submitter. Criteria: Ambry Variant Classification Scheme 2023. Collection method: clinical testing. Allele origin: germline.

Labcorp Genetics (formerly Invitae), Labcorp
Classification: Uncertain significance. Last evaluated: 2022-05-09. Review status: criteria provided, single submitter. Criteria: Invitae Variant Classification Sherloc (09022015). Collection method: clinical testing. Allele origin: germline.
Comment: This sequence change replaces glutamic acid, which is acidic and polar, with lysine, which is basic and polar, at codon 586 of the RBP3 protein (p.Glu586Lys). This variant is present in population databases (rs782791110, gnomAD 0.005%). This variant has not been reported in the literature in individuals affected with RBP3-related conditions. ClinVar contains an entry for this variant (Variation ID: 958687). Algorithms developed to predict the effect of missense changes on protein structure and function output the following: SIFT: "Tolerated"; PolyPhen-2: "Possibly Damaging"; Align-GVGD: "Class C0". The lysine amino acid residue is found in multiple mammalian species, which suggests that this missense change does not adversely affect protein function. In summary, the available evidence is currently insufficient to determine the role of this variant in disease. Therefore, it has been classified as a Variant of Uncertain Significance.

Revvity Omics, Revvity
Classification: Uncertain significance. Last evaluated: 2019-12-16. Review status: criteria provided, single submitter. Criteria: ACMG Guidelines, 2015. Collection method: clinical testing. Allele origin: germline.